The following is an entry in ClinVar:

ClinVar aggregate classification (germline): Conflicting classifications of pathogenicity. Review status: criteria provided, conflicting classifications (1 of 4 stars). 2 submissions from 2 submitters: Uncertain significance (1); Likely benign (1). Last evaluated 2026-09-01.

Conditions:
Deficiency of aromatic-L-amino-acid decarboxylase. Also called: AADC DEFICIENCY; Aromatic L-Amino Acid Decarboxylase Deficiency; DDC DEFICIENCY; DOPA DECARBOXYLASE DEFICIENCY; Aromatic amino acid decarboxylase deficiency. Identifiers: Orphanet 35708, MedGen C1291564, MONDO:0012084, OMIM 608643.

gnomAD v4.1: 10 of 1,614,038 alleles (0.00062%); highest among the groups gnomAD compares: Non-Finnish European, 0.00076%; no homozygotes.

Submissions (2):

CeGaT Center for Human Genetics Tuebingen
Classification: Uncertain significance. Last evaluated: 2026-09-01. Review status: criteria provided, single submitter. Criteria: CeGaT Center For Human Genetics Tuebingen Variant Classification Criteria Version 2. Collection method: clinical testing. Allele origin: germline. Affected: yes. Observed: 1 variant allele.
Comment: DDC: PM2, BP4

Labcorp Genetics (formerly Invitae), Labcorp
Classification: Likely benign for Deficiency of aromatic-L-amino-acid decarboxylase. Last evaluated: 2025-10-11. Review status: criteria provided, single submitter. Criteria: Invitae Variant Classification Sherloc (09022015). Collection method: clinical testing. Allele origin: germline.

NM_001082971.2(DDC):c.571-5T>A

Gene: DDC (dopa decarboxylase; minus strand). Cytogenetic location: 7p12.1.
Variant type: single nucleotide variant.
Coding change: c.571-5T>A on transcript NM_001082971.2 (MANE Select); 5 bases into the intron before coding-DNA position 571, T replaced by A.
Molecular consequence: intron variant.
Genome position (GRCh38, 1-based): chr7:50,528,285, A>T on the plus strand (T>A on the coding strand, the complement: DDC is on the minus strand). VCF-style: chr7-50528285-A-T. GRCh37 (hg19) VCF-style: chr7-50595983-A-T.
Other names: c.337-5T>A (NM_001242888.2); c.457-5T>A (NM_001242886.2); c.435+9575T>A (NM_001242889.2); c.570+923T>A (NM_001242887.2); c.571-5T>A (NM_000790.4, NM_001242890.2).
Identifiers: ClinVar variation 4768563 (VCV004768563.2).
Genomic context (GRCh38, chr7:50,528,285, plus strand): 5'-ATGGCTTTTAATTTCACTCCACCAATTAACCCAGCTCTTTCCACTGAGGAGTGTGCCTGG[A>T]AAGAAGACAGCAGAGTTGGATTTGTACAGGTGTGTGCATGCAGTTATTACCAGGCCCTGG-3'